The following is an entry in ClinVar:

NM_014251.3(SLC25A13):c.408A>G (p.Leu136=)

Gene: SLC25A13 (solute carrier family 25 member 13; minus strand). Cytogenetic location: 7q21.3.
Variant type: single nucleotide variant.
Coding change: c.408A>G on transcript NM_014251.3 (MANE Select); coding-DNA position 408, A replaced by G.
Protein change: p.Leu136=; no amino-acid change (leucine 136 retained).
Molecular consequence: synonymous variant. On other transcripts: non-coding transcript variant (1).
Genome position (GRCh38, 1-based): chr7:96,208,898, T>C on the plus strand (A>G on the coding strand, the complement: SLC25A13 is on the minus strand). VCF-style: chr7-96208898-T-C. GRCh37 (hg19) VCF-style: chr7-95838210-T-C.
Other names: c.408A>G, p.Leu136= (NM_001160210.2).
Identifiers: ClinVar variation 703307 (VCV000703307.20), dbSNP rs188486690, ClinGen allele CA4353277.
Genomic context (GRCh38, chr7:96,208,898, plus strand): 5'-CAATAAAAACTGAGTAAATTCCGCATATGTCAGGTGTCTTTTTCTTTCTTTTCCAAAATG[T>C]AGTTGCACAAATTCTGAATCCCAGTTAAATGGAATATGTTGATGAATTGTGGTCTGTCCA-3'
Protein context (NP_055066.1, residues 126-146): PFNWDSEFVQ[Leu136=]HFGKERKRHL

ClinVar aggregate classification (germline): Conflicting classifications of pathogenicity. Review status: criteria provided, conflicting classifications (1 of 4 stars). 4 submissions from 4 submitters: Uncertain significance (1); Likely benign (2). 1 of the submissions does not count toward it. Last evaluated 2026-08-01.

Conditions:
SLC25A13-related disorder. Also called: SLC25A13-related condition.
Citrin deficiency. Identifiers: Orphanet 247582, MedGen C1997910, MONDO:0016602.
Citrullinemia type II. Also called: Citrullinemia Type II (CTLN2). Identifiers: Orphanet 247585, MedGen C1863844, MONDO:0016603.

Allele frequency attached by ClinVar (database versions not stated): gnomAD exomes 0.00001 and 0.00004; ExAC 0.00007; gnomAD 0.00013 and 0.00015; TOPMed 0.00017; 1000 Genomes Project 30x 0.00031; 1000 Genomes Project 0.00040.
gnomAD v4.1: 45 of 1,614,118 alleles (0.0028%); highest among the groups gnomAD compares: African/African-American, 0.043%; no homozygotes.

Submissions (4):

CeGaT Center for Human Genetics Tuebingen
Classification: Likely benign. Last evaluated: 2026-08-01. Review status: criteria provided, single submitter. Criteria: CeGaT Center For Human Genetics Tuebingen Variant Classification Criteria Version 2. Collection method: clinical testing. Allele origin: germline. Affected: yes. Observed: 1 variant allele.
Comment: SLC25A13: BP4, BP7

Labcorp Genetics (formerly Invitae), Labcorp
Classification: Likely benign for Citrin deficiency. Last evaluated: 2025-11-29. Review status: criteria provided, single submitter. Criteria: Invitae Variant Classification Sherloc (09022015). Collection method: clinical testing. Allele origin: germline.

Illumina Laboratory Services, Illumina
Classification: Uncertain significance for Citrullinemia, type II, adult-onset. Last evaluated: 2018-01-12. Review status: criteria provided, single submitter. Criteria: ICSL Variant Classification Criteria 13 December 2019. Collection method: clinical testing. Allele origin: germline.

PreventionGenetics, part of Exact Sciences
Classification: Likely benign for SLC25A13-related condition. Last evaluated: 2021-09-15. Review status: no assertion criteria provided. Collection method: clinical testing. Allele origin: germline. Not counted in ClinVar's aggregate classification.
Comment: This variant is classified as likely benign based on ACMG/AMP sequence variant interpretation guidelines (Richards et al. 2015 PMID: 25741868, with internal and published modifications).